The following is an entry in ClinVar:

ClinVar aggregate classification (germline): Uncertain significance (1 of 4 stars; one submission).

Submission:

GeneDx
Classification: Uncertain significance. Last evaluated: 2019-08-09. Review status: criteria provided, single submitter. Criteria: GeneDx Variant Classification Process June 2021. Collection method: clinical testing. Allele origin: germline. Affected: yes.
Comment: Not observed in large population cohorts (Lek et al., 2016); Missense variants in this gene are often considered pathogenic (Stenson et al., 2014); In silico analysis, which includes protein predictors and evolutionary conservation, supports a deleterious effect; Has not been previously published as pathogenic or benign to our knowledge

NM_000231.3(SGCG):c.150T>A (p.Asn50Lys)

Gene: SGCG (sarcoglycan gamma; plus strand). Cytogenetic location: 13q12.12.
Variant type: single nucleotide variant.
Coding change: c.150T>A on transcript NM_000231.3 (MANE Select); coding-DNA position 150, T replaced by A.
Protein change: p.Asn50Lys; replaces asparagine 50 with lysine.
Molecular consequence: missense variant.
Genome position (GRCh38, 1-based): chr13:23,203,844, T>A. VCF-style: chr13-23203844-T-A. GRCh37 (hg19) VCF-style: chr13-23777983-T-A.
Other names: c.204T>A, p.Asn68Lys (NM_001378244.1); c.150T>A, p.Asn50Lys (NM_001378245.1, NM_001378246.1); short protein forms N50K, N68K.
Identifiers: ClinVar variation 1307653 (VCV001307653.2), dbSNP rs2137501514, ClinGen allele CA387502729.